The following is an entry in ClinVar:

NM_001429.4(EP300):c.4923C>T (p.Phe1641=)

Gene: EP300 (E1A binding protein p300; plus strand). Cytogenetic location: 22q13.2.
Variant type: single nucleotide variant.
Coding change: c.4923C>T on transcript NM_001429.4 (MANE Select); coding-DNA position 4923, C replaced by T.
Protein change: p.Phe1641=; no amino-acid change (phenylalanine 1641 retained).
Molecular consequence: synonymous variant.
Genome position (GRCh38, 1-based): chr22:41,176,390, C>T. VCF-style: chr22-41176390-C-T. GRCh37 (hg19) VCF-style: chr22-41572394-C-T.
Other names: c.4845C>T, p.Phe1615= (NM_001362843.2).
Identifiers: ClinVar variation 3353763 (VCV003353763.1).

ClinVar aggregate classification (germline): Likely benign (0 of 4 stars; one submission).

Conditions:
EP300-related disorder. Also called: EP300-related disorders; EP300-related condition.

gnomAD v4.1: 9 of 1,614,232 alleles (0.00056%); highest among the groups gnomAD compares: Non-Finnish European, 0.00076%; no homozygotes.

Submission:

PreventionGenetics, part of Exact Sciences
Classification: Likely benign for EP300-related condition. Last evaluated: 2023-06-01. Review status: no assertion criteria provided. Collection method: clinical testing. Allele origin: germline.
Comment: This variant is classified as likely benign based on ACMG/AMP sequence variant interpretation guidelines (Richards et al. 2015 PMID: 25741868, with internal and published modifications).